The following is an entry in ClinVar:

ClinVar aggregate classification (germline): Conflicting classifications of pathogenicity. Review status: criteria provided, conflicting classifications (1 of 4 stars). 4 submissions from 4 submitters: Uncertain significance (3); Likely benign (1). Last evaluated 2025-12-09.

Conditions:
Hereditary cancer-predisposing syndrome. Also called: Tumor predisposition; Neoplastic Syndromes, Hereditary; Hereditary Cancer Syndrome; Hereditary neoplastic syndrome. Identifiers: Orphanet 140162, MedGen C0027672, MeSH D009386, MONDO:0015356.
Multiple endocrine neoplasia type 4. Also called: MULTIPLE ENDOCRINE NEOPLASIA, TYPE IV. Identifiers: Orphanet 276152, MedGen C1970712, MONDO:0012552, OMIM 610755.

Allele frequency attached by ClinVar (database versions not stated): gnomAD 0.00001; gnomAD exomes 0.00001; TOPMed 0.00001; ExAC 0.00002; ESP Exome Variant Server 0.00008.
gnomAD v4.1: 38 of 1,610,748 alleles (0.0024%); highest among the groups gnomAD compares: Non-Finnish European, 0.0031%; no homozygotes.

Submissions (4):

Labcorp Genetics (formerly Invitae), Labcorp
Classification: Uncertain significance for Multiple endocrine neoplasia type 4. Last evaluated: 2025-12-09. Review status: criteria provided, single submitter. Criteria: Invitae Variant Classification Sherloc (09022015). Collection method: clinical testing. Allele origin: germline.
Comment: This sequence change replaces proline, which is neutral and non-polar, with leucine, which is neutral and non-polar, at codon 137 of the CDKN1B protein (p.Pro137Leu). This variant is present in population databases (rs369871673, gnomAD 0.007%). This variant has not been reported in the literature in individuals affected with CDKN1B-related conditions. ClinVar contains an entry for this variant (Variation ID: 404277). An algorithm developed to predict the effect of missense changes on protein structure and function (PolyPhen-2) suggests that this variant is likely to be tolerated. In summary, the available evidence is currently insufficient to determine the role of this variant in disease. Therefore, it has been classified as a Variant of Uncertain Significance.

Ambry Genetics
Classification: Likely benign for Hereditary cancer-predisposing syndrome. Last evaluated: 2025-06-12. Review status: criteria provided, single submitter. Criteria: Ambry Variant Classification Scheme 2023. Collection method: clinical testing. Allele origin: germline.

Baylor Genetics
Classification: Uncertain significance for Multiple endocrine neoplasia type 4. Last evaluated: 2024-01-12. Review status: criteria provided, single submitter. Criteria: ACMG Guidelines, 2015. Collection method: clinical testing. Allele origin: unknown.

GeneDx
Classification: Uncertain significance. Last evaluated: 2023-01-05. Review status: criteria provided, single submitter. Criteria: GeneDx Variant Classification Process June 2021. Collection method: clinical testing. Allele origin: germline. Affected: yes.
Comment: Not observed at significant frequency in large population cohorts (gnomAD); In silico analysis supports that this missense variant does not alter protein structure/function; Has not been previously published as pathogenic or benign to our knowledge; This variant is associated with the following publications: (PMID: 31854063, 27397505)

NM_004064.5(CDKN1B):c.410C>T (p.Pro137Leu)

Gene: CDKN1B (cyclin dependent kinase inhibitor 1B; plus strand). Cytogenetic location: 12p13.1.
Variant type: single nucleotide variant.
Coding change: c.410C>T on transcript NM_004064.5 (MANE Select); coding-DNA position 410, C replaced by T.
Protein change: p.Pro137Leu; replaces proline 137 with leucine.
Molecular consequence: missense variant.
Genome position (GRCh38, 1-based): chr12:12,718,249, C>T. VCF-style: chr12-12718249-C-T. GRCh37 (hg19) VCF-style: chr12-12871183-C-T.
Other names: short protein forms P137L.
Identifiers: ClinVar variation 404277 (VCV000404277.19), dbSNP rs369871673, ClinGen allele CA6457490.